The following is an entry in ClinVar:

ClinVar aggregate classification (germline): Benign/Likely benign. Review status: criteria provided, multiple submitters, no conflicts (2 of 4 stars). 7 submissions from 7 submitters: Benign (5); Likely benign (2). Last evaluated 2026-02-04.

Conditions:
Familial hemophagocytic lymphohistiocytosis 5. Also called: STXBP2-Related Familial Hemophagocytic Lymphohistiocytosis (STXBP2-fHLH). Identifiers: Orphanet 540, MedGen C2751293, MONDO:0013135, OMIM 613101.
Autoinflammatory syndrome. Identifiers: Orphanet 93665, MedGen C3890737, MONDO:0019751.

Allele frequency attached by ClinVar (database versions not stated): ESP Exome Variant Server 0.00016; gnomAD 0.00164 and 0.00301; TOPMed 0.00263; gnomAD exomes 0.00276 and 0.00750; ExAC 0.01043; 1000 Genomes Project 30x 0.01499; 1000 Genomes Project 0.01617.
gnomAD v4.1: 4,529 of 1,552,168 alleles (0.29%); highest among the groups gnomAD compares: East Asian, 5.3%; 120 homozygotes.

Submissions (7):

Labcorp Genetics (formerly Invitae), Labcorp
Classification: Benign for Familial hemophagocytic lymphohistiocytosis 5. Last evaluated: 2026-02-04. Review status: criteria provided, single submitter. Criteria: Invitae Variant Classification Sherloc (09022015). Collection method: clinical testing. Allele origin: germline.

Blueprint Genetics
Classification: Likely benign. Last evaluated: 2024-11-27. Review status: criteria provided, single submitter. Criteria: ACMG Guidelines, 2015. Collection method: clinical testing. Allele origin: germline.

Mayo Clinic Laboratories, Mayo Clinic
Classification: Benign. Last evaluated: 2023-11-13. Review status: criteria provided, single submitter. Criteria: ACMG Guidelines, 2015. Collection method: clinical testing. Allele origin: germline. Observed: 10 variant alleles.
Comment: BA1, BS2, BP4, BP7

GeneDx
Classification: Benign. Last evaluated: 2021-02-25. Review status: criteria provided, single submitter. Criteria: GeneDx Variant Classification Process June 2021. Collection method: clinical testing. Allele origin: germline. Affected: yes.
Comment: This variant is associated with the following publications: (PMID: 32517705)

Genome Diagnostics Laboratory, The Hospital for Sick Children
Classification: Benign for Autoinflammatory syndrome. Last evaluated: 2020-02-01. Review status: criteria provided, single submitter. Criteria: ACMG Guidelines, 2015. Collection method: clinical testing. Allele origin: germline. Affected: yes.

Breakthrough Genomics
Classification: Likely benign. Review status: criteria provided, single submitter. Criteria: ACMG Guidelines, 2015. Collection method: not provided. Allele origin: germline. Inheritance: Autosomal recessive inheritance. Affected: yes.

PreventionGenetics, part of Exact Sciences
Classification: Benign. Review status: criteria provided, single submitter. Criteria: ACMG Guidelines, 2015. Collection method: clinical testing. Allele origin: germline.

NM_006949.4(STXBP2):c.495C>T (p.Arg165=)

Gene: STXBP2 (syntaxin binding protein 2; plus strand). Cytogenetic location: 19p13.2.
Variant type: single nucleotide variant.
Coding change: c.495C>T on transcript NM_006949.4 (MANE Select); coding-DNA position 495, C replaced by T.
Protein change: p.Arg165=; no amino-acid change (arginine 165 retained).
Molecular consequence: synonymous variant. On other transcripts: non-coding transcript variant (1).
Genome position (GRCh38, 1-based): chr19:7,641,770, C>T. VCF-style: chr19-7641770-C-T. GRCh37 (hg19) VCF-style: chr19-7706656-C-T.
Other names: p.Arg165=; c.486C>T, p.Arg162= (NM_001127396.3); c.528C>T, p.Arg176= (NM_001272034.2).
Identifiers: ClinVar variation 260105 (VCV000260105.23), dbSNP rs2303116, ClinGen allele CA9143672.